The following is an entry in ClinVar:

ClinVar aggregate classification (germline): Uncertain significance (1 of 4 stars; one submission).

Conditions:
Hypertrophic cardiomyopathy 1 (CMH1). Also called: Familial hypertrophic cardiomyopathy 1; MYH7-Related Familial Hypertrophic Cardiomyopathy. Identifiers: MedGen C3495498, MONDO:0008647, OMIM 192600.

Allele frequency attached by ClinVar (database versions not stated): gnomAD exomes below 0.00001 and 0.00001; gnomAD 0.00001; TOPMed 0.00002.
gnomAD v4.1: 25 of 1,614,020 alleles (0.0015%); highest among the groups gnomAD compares: Middle Eastern, 0.033%; 1 homozygote.

Submission:

Labcorp Genetics (formerly Invitae), Labcorp
Classification: Uncertain significance for Hypertrophic cardiomyopathy 1. Last evaluated: 2025-10-13. Review status: criteria provided, single submitter. Criteria: Invitae Variant Classification Sherloc (09022015). Collection method: clinical testing. Allele origin: germline.
Comment: This sequence change replaces tyrosine, which is neutral and polar, with cysteine, which is neutral and slightly polar, at codon 500 of the MYLK2 protein (p.Tyr500Cys). This variant is present in population databases (no rsID available, gnomAD 0.0009%). This variant has not been reported in the literature in individuals affected with MYLK2-related conditions. ClinVar contains an entry for this variant (Variation ID: 1481900). Invitae Evidence Modeling of protein sequence and biophysical properties (such as structural, functional, and spatial information, amino acid conservation, physicochemical variation, residue mobility, and thermodynamic stability) indicates that this missense variant is not expected to disrupt MYLK2 protein function with a negative predictive value of 80%. In summary, the available evidence is currently insufficient to determine the role of this variant in disease. Therefore, it has been classified as a Variant of Uncertain Significance.

NM_033118.4(MYLK2):c.1499A>G (p.Tyr500Cys)

Gene: MYLK2 (myosin light chain kinase 2; plus strand). Cytogenetic location: 20q11.21.
Variant type: single nucleotide variant.
Coding change: c.1499A>G on transcript NM_033118.4 (MANE Select); coding-DNA position 1499, A replaced by G.
Protein change: p.Tyr500Cys; replaces tyrosine 500 with cysteine.
Molecular consequence: missense variant.
Genome position (GRCh38, 1-based): chr20:31,831,777, A>G. VCF-style: chr20-31831777-A-G. GRCh37 (hg19) VCF-style: chr20-30419580-A-G.
Other names: short protein forms Y500C.
Identifiers: ClinVar variation 1481900 (VCV001481900.6), dbSNP rs974471969, ClinGen allele CA313851843.